The following is an entry in ClinVar:

ClinVar aggregate classification (germline): Uncertain significance (1 of 4 stars; one submission).

Allele frequency attached by ClinVar (database versions not stated): TOPMed below 0.00001.

Submission:

Labcorp Genetics (formerly Invitae), Labcorp
Classification: Uncertain significance. Last evaluated: 2025-02-10. Review status: criteria provided, single submitter. Criteria: Invitae Variant Classification Sherloc (09022015). Collection method: clinical testing. Allele origin: germline.
Comment: This sequence change affects codon 156 of the PDSS1 mRNA. It is a 'silent' change, meaning that it does not change the encoded amino acid sequence of the PDSS1 protein. It affects a nucleotide within the consensus splice site. This variant is not present in population databases (gnomAD no frequency). This variant has not been reported in the literature in individuals affected with PDSS1-related conditions. ClinVar contains an entry for this variant (Variation ID: 1431997). Algorithms developed to predict the effect of sequence changes on RNA splicing suggest that this variant is not likely to affect RNA splicing. In summary, the available evidence is currently insufficient to determine the role of this variant in disease. Therefore, it has been classified as a Variant of Uncertain Significance.

NM_014317.5(PDSS1):c.468A>G (p.Arg156=)

Gene: PDSS1 (decaprenyl diphosphate synthase subunit 1; plus strand). Cytogenetic location: 10p12.1.
Variant type: single nucleotide variant.
Coding change: c.468A>G on transcript NM_014317.5 (MANE Select); coding-DNA position 468, A replaced by G.
Protein change: p.Arg156=; no amino-acid change (arginine 156 retained).
Molecular consequence: synonymous variant. On other transcripts: 5 prime UTR variant (1).
Genome position (GRCh38, 1-based): chr10:26,720,218, A>G. VCF-style: chr10-26720218-A-G. GRCh37 (hg19) VCF-style: chr10-27009147-A-G.
Other names: c.468A>G, p.Arg156= (NM_001321978.2); c.-43A>G (NM_001321979.2).
Identifiers: ClinVar variation 1431997 (VCV001431997.4), dbSNP rs1835739006, ClinGen allele CA468481806.